The following is an entry in ClinVar:

ClinVar aggregate classification (germline): Likely benign. Review status: criteria provided, multiple submitters, no conflicts (2 of 4 stars). 4 submissions from 4 submitters: Likely benign (3). 1 of the submissions does not count toward it. Last evaluated 2026-01-27.

Conditions:
Short-rib thoracic dysplasia 10 with or without polydactyly (SRTD10). Identifiers: Orphanet 474, MedGen C3810175, MONDO:0014284, OMIM 615630.
Retinitis pigmentosa 71 (RP71). Identifiers: Orphanet 791, MedGen C4225342, MONDO:0014618, OMIM 616394.
Bardet-Biedl syndrome 20. Identifiers: MedGen C4310707, MONDO:0023670, OMIM 619471, MONDO:0014926.
IFT172-related disorder. Also called: IFT172-related condition; IFT172-related disorders.

Allele frequency attached by ClinVar (database versions not stated): gnomAD exomes 0.00004 and 0.00009; gnomAD 0.00001; TOPMed 0.00004; ExAC 0.00010.
gnomAD v4.1: 23 of 1,613,726 alleles (0.0014%); highest among the groups gnomAD compares: Admixed American, 0.038%; 1 homozygote.

Submissions (4):

Labcorp Genetics (formerly Invitae), Labcorp
Classification: Likely benign for Retinitis pigmentosa 71; Short-rib thoracic dysplasia 10 with or without polydactyly. Last evaluated: 2026-01-27. Review status: criteria provided, single submitter. Criteria: Invitae Variant Classification Sherloc (09022015). Collection method: clinical testing. Allele origin: germline.

Blueprint Genetics
Classification: Likely benign. Last evaluated: 2022-08-01. Review status: criteria provided, single submitter. Criteria: ACMG Guidelines, 2015. Collection method: clinical testing. Allele origin: germline.

Fulgent Genetics
Classification: Likely benign for Short-rib thoracic dysplasia 10 with or without polydactyly; Retinitis pigmentosa 71; Bardet-Biedl syndrome 20. Last evaluated: 2022-04-06. Review status: criteria provided, single submitter. Criteria: ACMG Guidelines, 2015. Collection method: clinical testing. Allele origin: unknown.

PreventionGenetics, part of Exact Sciences
Classification: Likely benign for IFT172-related condition. Last evaluated: 2023-12-12. Review status: no assertion criteria provided. Collection method: clinical testing. Allele origin: germline. Not counted in ClinVar's aggregate classification.
Comment: This variant is classified as likely benign based on ACMG/AMP sequence variant interpretation guidelines (Richards et al. 2015 PMID: 25741868, with internal and published modifications).

NM_015662.3(IFT172):c.5124C>A (p.Asn1708Lys)

Genes: KRTCAP3 (keratinocyte associated protein 3; plus strand), IFT172 (intraflagellar transport 172; minus strand). Cytogenetic location: 2p23.3.
Variant type: single nucleotide variant.
Coding change: c.5124C>A on transcript NM_015662.3 (MANE Select); coding-DNA position 5124, C replaced by A.
Protein change: p.Asn1708Lys; replaces asparagine 1708 with lysine.
Molecular consequence: missense variant. On other transcripts: intron variant (1).
Genome position (GRCh38, 1-based): chr2:27,445,050, G>T on the plus strand (C>A on the coding strand, the complement: IFT172 is on the minus strand). VCF-style: chr2-27445050-G-T. GRCh37 (hg19) VCF-style: chr2-27667917-G-T.
Other names: c.5058C>A, p.Asn1686Lys (NM_001410739.1); c.*5+989G>T (NM_001168364.2); c.5124C>A (NM_015662.2); short protein forms N1708K, N1686K.
Identifiers: ClinVar variation 1120654 (VCV001120654.15), dbSNP rs868748622, ClinGen allele CA1579355.